The following is an entry in ClinVar:

NM_000171.4(GLRA1):c.56+5G>A

Gene: GLRA1 (glycine receptor alpha 1; minus strand). Cytogenetic location: 5q33.1.
Variant type: single nucleotide variant.
Coding change: c.56+5G>A on transcript NM_000171.4 (MANE Select); 5 bases into the intron after coding-DNA position 56, G replaced by A.
Molecular consequence: intron variant.
Genome position (GRCh38, 1-based): chr5:151,924,489, C>T on the plus strand (G>A on the coding strand, the complement: GLRA1 is on the minus strand). VCF-style: chr5-151924489-C-T. GRCh37 (hg19) VCF-style: chr5-151304050-C-T.
Other names: c.-66+5G>A (NM_001292000.2); c.56+5G>A (NM_001146040.2).
Identifiers: ClinVar variation 1003586 (VCV001003586.6), dbSNP rs373393975, ClinGen allele CA3523799.

ClinVar aggregate classification (germline): Uncertain significance (1 of 4 stars; one submission).

Conditions:
Hereditary hyperekplexia. Identifiers: Orphanet 3197, MedGen C4084968, MONDO:0021022.

Allele frequency attached by ClinVar (database versions not stated): gnomAD exomes below 0.00001 and 0.00001; gnomAD 0.00001; ExAC 0.00002; TOPMed 0.00002; ESP Exome Variant Server 0.00008.
gnomAD v4.1: 3 of 1,554,104 alleles (0.00019%); highest among the groups gnomAD compares: African/African-American, 0.0027%; no homozygotes.

Submission:

Labcorp Genetics (formerly Invitae), Labcorp
Classification: Uncertain significance for Hereditary hyperekplexia. Last evaluated: 2020-08-31. Review status: criteria provided, single submitter. Criteria: Invitae Variant Classification Sherloc (09022015). Collection method: clinical testing. Allele origin: germline.
Comment: In summary, the available evidence is currently insufficient to determine the role of this variant in disease. Therefore, it has been classified as a Variant of Uncertain Significance. Nucleotide substitutions within the consensus splice site are a relatively common cause of aberrant splicing (PMID: 17576681, 9536098). Algorithms developed to predict the effect of sequence changes on RNA splicing suggest that this variant may disrupt the consensus splice site, but this prediction has not been confirmed by published transcriptional studies. This variant has not been reported in the literature in individuals with GLRA1-related conditions. This variant is present in population databases (rs373393975, ExAC 0.02%). This sequence change falls in intron 1 of the GLRA1 gene. It does not directly change the encoded amino acid sequence of the GLRA1 protein, but it affects a nucleotide within the consensus splice site of the intron.

Literature cited by the submitters: PubMed 17576681; PubMed 9536098.